The following is an entry in ClinVar:

NM_001267550.2(TTN):c.31678+5A>T

Gene: TTN (titin; minus strand). Cytogenetic location: 2q31.2.
Variant type: single nucleotide variant.
Coding change: c.31678+5A>T on transcript NM_001267550.2 (MANE Select); 5 bases into the intron after coding-DNA position 31678, A replaced by T.
Molecular consequence: intron variant.
Genome position (GRCh38, 1-based): chr2:178,692,492, T>A on the plus strand (A>T on the coding strand, the complement: TTN is on the minus strand). VCF-style: chr2-178692492-T-A. GRCh37 (hg19) VCF-style: chr2-179557219-T-A.
Other names: c.13282+45590A>T (NM_003319.4); c.13858+45590A>T (NM_133437.4); c.13657+45590A>T (NM_133432.3); c.27946+5A>T (NM_133378.4); c.30727+5A>T (NM_001256850.1).
Identifiers: ClinVar variation 4527293 (VCV004527293.1).
Genomic context (GRCh38, chr2:178,692,492, plus strand): 5'-AGATCTTATAGAAAAAGATACAAGATGGATGCTAAGAATTATTTTTTTCACAAATATTAT[T>A]CTACCTTTTGGTGCTGGGGGCTCCACTTTTTTAGGGATAGGAACAGGGGCCACTTCTTCT-3'

ClinVar aggregate classification (germline): Uncertain significance (1 of 4 stars; one submission).

Submission:

GeneDx
Classification: Uncertain significance. Last evaluated: 2025-04-23. Review status: criteria provided, single submitter. Criteria: GeneDx Variant Classification Process June 2021. Collection method: clinical testing. Allele origin: germline. Affected: yes.
Comment: Not observed at significant frequency in large population cohorts (gnomAD); Has not been previously published as pathogenic or benign to our knowledge; In silico analysis suggests this variant may impact gene splicing. In the absence of RNA/functional studies, the actual effect of this sequence change is unknown.